The following is an entry in ClinVar:

ClinVar aggregate classification (germline): Uncertain significance (1 of 4 stars; one submission).

Conditions:
Hypertrophic cardiomyopathy. Also called: HYPERTROPHIC MYOCARDIOPATHY. Identifiers: Orphanet 217569, MedGen C0007194, MeSH D002312, MONDO:0005045, HP:0001639.

Allele frequency attached by ClinVar (database versions not stated): gnomAD exomes below 0.00001.
gnomAD v4.1: 1 of 1,614,118 alleles (0.000062%); highest among the groups gnomAD compares: African/African-American, 0.0013%; no homozygotes.

Submission:

Labcorp Genetics (formerly Invitae), Labcorp
Classification: Uncertain significance for Hypertrophic cardiomyopathy. Last evaluated: 2023-03-10. Review status: criteria provided, single submitter. Criteria: Invitae Variant Classification Sherloc (09022015). Collection method: clinical testing. Allele origin: germline.
Comment: This variant has not been reported in the literature in individuals affected with MYH7-related conditions. This variant is not present in population databases (gnomAD no frequency). This sequence change replaces glycine, which is neutral and non-polar, with arginine, which is basic and polar, at codon 984 of the MYH7 protein (p.Gly984Arg). Advanced modeling of protein sequence and biophysical properties (such as structural, functional, and spatial information, amino acid conservation, physicochemical variation, residue mobility, and thermodynamic stability) has been performed at Invitae for this missense variant, however the output from this modeling did not meet the statistical confidence thresholds required to predict the impact of this variant on MYH7 protein function. In summary, the available evidence is currently insufficient to determine the role of this variant in disease. Therefore, it has been classified as a Variant of Uncertain Significance.

NM_000257.4(MYH7):c.2950G>A (p.Gly984Arg)

Gene: MYH7 (myosin heavy chain 7; minus strand). Cytogenetic location: 14q11.2.
Variant type: single nucleotide variant.
Coding change: c.2950G>A on transcript NM_000257.4 (MANE Select); coding-DNA position 2950, G replaced by A.
Protein change: p.Gly984Arg; replaces glycine 984 with arginine.
Molecular consequence: missense variant.
Genome position (GRCh38, 1-based): chr14:23,423,696, C>T on the plus strand (G>A on the coding strand, the complement: MYH7 is on the minus strand). VCF-style: chr14-23423696-C-T. GRCh37 (hg19) VCF-style: chr14-23892905-C-T.
Other names: c.2950G>A, p.Gly984Arg (NM_001407004.1); short protein forms G984R.
Identifiers: ClinVar variation 2872849 (VCV002872849.3), dbSNP rs2502278239, ClinGen allele CA389046444.